The following is an entry in ClinVar:

ClinVar aggregate classification (germline): Uncertain significance (1 of 4 stars; one submission).

Allele frequency attached by ClinVar (database versions not stated): TOPMed below 0.00001; gnomAD exomes 0.00001.
gnomAD v4.1: 4 of 1,614,180 alleles (0.00025%); highest among the groups gnomAD compares: East Asian, 0.0067%; no homozygotes.

Submission:

Labcorp Genetics (formerly Invitae), Labcorp
Classification: Uncertain significance. Last evaluated: 2021-12-13. Review status: criteria provided, single submitter. Criteria: Invitae Variant Classification Sherloc (09022015). Collection method: clinical testing. Allele origin: germline.
Comment: In summary, the available evidence is currently insufficient to determine the role of this variant in disease. Therefore, it has been classified as a Variant of Uncertain Significance. Algorithms developed to predict the effect of missense changes on protein structure and function are either unavailable or do not agree on the potential impact of this missense change (SIFT: "Deleterious"; PolyPhen-2: "Benign"; Align-GVGD: "Class C0"). This variant has not been reported in the literature in individuals affected with ZNF143-related conditions. This variant is not present in population databases (gnomAD no frequency). This sequence change replaces threonine, which is neutral and polar, with methionine, which is neutral and non-polar, at codon 471 of the ZNF143 protein (p.Thr471Met).

NM_003442.6(ZNF143):c.1412C>T (p.Thr471Met)

Gene: ZNF143 (zinc finger protein 143; plus strand). Cytogenetic location: 11p15.4.
Variant type: single nucleotide variant.
Coding change: c.1412C>T on transcript NM_003442.6 (MANE Select); coding-DNA position 1412, C replaced by T.
Protein change: p.Thr471Met; replaces threonine 471 with methionine.
Molecular consequence: missense variant.
Genome position (GRCh38, 1-based): chr11:9,512,484, C>T. VCF-style: chr11-9512484-C-T. GRCh37 (hg19) VCF-style: chr11-9534031-C-T.
Other names: c.1409C>T, p.Thr470Met (NM_001282656.2); c.1319C>T, p.Thr440Met (NM_001282657.2); short protein forms T440M, T470M, T471M.
Identifiers: ClinVar variation 1972594 (VCV001972594.5), dbSNP rs1394297185, ClinGen allele CA379628725.
Genomic context (GRCh38, chr11:9,512,484, plus strand): 5'-AAATGATTCATTTGTTTTAAACAGGTCAAGGTGAAGATGTTCTTAAAGGGTCCCAGATTA[C>T]GTATGTTACAGGTGTAGAAGGGGACGACGTTGTTTCTACACAAGTAGCCACAGTAACCCA-3'
Protein context (NP_003433.3, residues 461-481): GEDVLKGSQI[Thr471Met]YVTGVEGDDV